The following is an entry in ClinVar:

ClinVar aggregate classification (germline): Uncertain significance (1 of 4 stars; one submission).

Submission:

Labcorp Genetics (formerly Invitae), Labcorp
Classification: Uncertain significance. Last evaluated: 2024-06-25. Review status: criteria provided, single submitter. Criteria: Invitae Variant Classification Sherloc (09022015). Collection method: clinical testing. Allele origin: germline.
Comment: This sequence change replaces proline, which is neutral and non-polar, with leucine, which is neutral and non-polar, at codon 825 of the TRRAP protein (p.Pro825Leu). This variant is not present in population databases (gnomAD no frequency). This variant has not been reported in the literature in individuals affected with TRRAP-related conditions. Advanced modeling of protein sequence and biophysical properties (such as structural, functional, and spatial information, amino acid conservation, physicochemical variation, residue mobility, and thermodynamic stability) performed at Invitae indicates that this missense variant is expected to disrupt TRRAP protein function with a positive predictive value of 80%. In summary, the available evidence is currently insufficient to determine the role of this variant in disease. Therefore, it has been classified as a Variant of Uncertain Significance.

NM_001375524.1(TRRAP):c.2474C>T (p.Pro825Leu)

Gene: TRRAP (transformation/transcription domain associated protein; plus strand). Cytogenetic location: 7q22.1.
Variant type: single nucleotide variant.
Coding change: c.2474C>T on transcript NM_001375524.1 (MANE Select); coding-DNA position 2474, C replaced by T.
Protein change: p.Pro825Leu; replaces proline 825 with leucine.
Molecular consequence: missense variant.
Genome position (GRCh38, 1-based): chr7:98,917,531, C>T. VCF-style: chr7-98917531-C-T. GRCh37 (hg19) VCF-style: chr7-98515154-C-T.
Other names: c.2474C>T, p.Pro825Leu (NM_001244580.2, NM_003496.4); short protein forms P825L.
Identifiers: ClinVar variation 3621809 (VCV003621809.2).